The following is an entry in ClinVar:

NM_002661.5(PLCG2):c.1467+38G>C

Gene: PLCG2 (phospholipase C gamma 2; plus strand). Cytogenetic location: 16q23.3.
Variant type: single nucleotide variant.
Coding change: c.1467+38G>C on transcript NM_002661.5 (MANE Select); 38 bases into the intron after coding-DNA position 1467, G replaced by C.
Molecular consequence: intron variant.
Genome position (GRCh38, 1-based): chr16:81,905,545, G>C. VCF-style: chr16-81905545-G-C. GRCh37 (hg19) VCF-style: chr16-81939150-G-C.
Identifiers: ClinVar variation 1266525 (VCV001266525.7), dbSNP rs4435248, ClinGen allele CA8193779.

ClinVar aggregate classification (germline): Benign. Review status: criteria provided, multiple submitters, no conflicts (2 of 4 stars). 5 submissions from 4 submitters: Benign (5). Last evaluated 2023-11-12.

Conditions:
Autoinflammation-PLCG2-associated antibody deficiency-immune dysregulation. Also called: Autoinflammation, antibody deficiency, and immune dysregulation, plcg2-associated; Autoinflammation, antibody deficiency, and immune dysregulation syndrome; AUTOINFLAMMATION, ANTIBODY DEFICIENCY, AND IMMUNE DYSREGULATION. Identifiers: Orphanet 324530, MedGen C3553961, MONDO:0013944, OMIM 614878.
Familial cold autoinflammatory syndrome 3 (FCAS3). Also called: FAMILIAL ATYPICAL COLD URTICARIA; ANTIBODY DEFICIENCY AND IMMUNE DYSREGULATION, PLCG2-ASSOCIATED. Identifiers: Orphanet 300359, MedGen C3280914, MONDO:0013766, OMIM 614468.

Allele frequency attached by ClinVar (database versions not stated): ESP Exome Variant Server 0.74640; gnomAD 0.75887 and 0.76609; TOPMed 0.76440; 1000 Genomes Project 30x 0.78795; 1000 Genomes Project 0.79553; ExAC 0.82272; gnomAD exomes 0.82908.
gnomAD v4.1: 1,099,379 of 1,361,236 alleles (81%); highest among the groups gnomAD compares: East Asian, 97%; 446,693 homozygotes.

Submissions (5):

Unidad de Genómica Garrahan, Hospital de Pediatría Garrahan
Classification: Benign. Last evaluated: 2023-11-12. Review status: criteria provided, single submitter. Criteria: ACMG Guidelines, 2015. Collection method: clinical testing. Allele origin: germline. Affected: no. Observed: 88 variant alleles.
Comment: This variant is classified as Benign based on local population frequency. This variant was detected in 92% of patients studied by a panel of primary immunodeficiencies. Number of patients: 88. Only high quality variants are reported.

Genome-Nilou Lab
Classification: Benign for Autoinflammation-PLCG2-associated antibody deficiency-immune dysregulation. Last evaluated: 2021-10-25. Review status: criteria provided, single submitter. Criteria: ACMG Guidelines, 2015. Collection method: clinical testing. Allele origin: germline. Affected: no.

Genome-Nilou Lab
Classification: Benign for Familial cold autoinflammatory syndrome 3. Last evaluated: 2021-10-25. Review status: criteria provided, single submitter. Criteria: ACMG Guidelines, 2015. Collection method: clinical testing. Allele origin: germline. Affected: no.

GeneDx
Classification: Benign. Last evaluated: 2021-05-14. Review status: criteria provided, single submitter. Criteria: GeneDx Variant Classification Process June 2021. Collection method: clinical testing. Allele origin: germline. Affected: yes.

Breakthrough Genomics
Classification: Benign. Review status: criteria provided, single submitter. Criteria: ACMG Guidelines, 2015. Collection method: not provided. Allele origin: germline. Inheritance: Autosomal dominant inheritance. Affected: yes.